The following is an entry in ClinVar:

NM_003638.3(ITGA8):c.840T>C (p.Ser280=)

Gene: ITGA8 (integrin subunit alpha 8; minus strand). Cytogenetic location: 10p13.
Variant type: single nucleotide variant.
Coding change: c.840T>C on transcript NM_003638.3 (MANE Select); coding-DNA position 840, T replaced by C.
Protein change: p.Ser280=; no amino-acid change (serine 280 retained).
Molecular consequence: synonymous variant. On other transcripts: intron variant (1).
Genome position (GRCh38, 1-based): chr10:15,671,610, A>G on the plus strand (T>C on the coding strand, the complement: ITGA8 is on the minus strand). VCF-style: chr10-15671610-A-G. GRCh37 (hg19) VCF-style: chr10-15713609-A-G.
Other names: c.802+1014T>C (NM_001291494.2); c.840T>C (NM_003638.1).
Identifiers: ClinVar variation 790274 (VCV000790274.36), dbSNP rs151036773, ClinGen allele CA5420496.

ClinVar aggregate classification (germline): Conflicting classifications of pathogenicity. Review status: criteria provided, conflicting classifications (1 of 4 stars). 5 submissions from 5 submitters: Uncertain significance (1); Likely benign (4). Last evaluated 2026-02-03.

Conditions:
Inborn genetic diseases. Identifiers: MedGen C0950123, MeSH D030342.
Renal hypodysplasia/aplasia 1 (RHDA1). Also called: HEREDITARY RENAL APLASIA; RENAL APLASIA. Identifiers: Orphanet 411709, MedGen C1619700, MONDO:0024519, OMIM 191830.
ITGA8-related disorder. Also called: ITGA8-related condition.

Allele frequency attached by ClinVar (database versions not stated): 1000 Genomes Project 30x 0.00031; 1000 Genomes Project 0.00040; ExAC 0.00071; ESP Exome Variant Server 0.00077; gnomAD exomes 0.00078 and 0.00131; TOPMed 0.00081; gnomAD 0.00082 and 0.00086.
gnomAD v4.1: 2,001 of 1,612,626 alleles (0.12%); highest among the groups gnomAD compares: Non-Finnish European, 0.16%; 2 homozygotes.

Submissions (5):

Labcorp Genetics (formerly Invitae), Labcorp
Classification: Likely benign. Last evaluated: 2026-02-03. Review status: criteria provided, single submitter. Criteria: Invitae Variant Classification Sherloc (09022015). Collection method: clinical testing. Allele origin: germline.

PreventionGenetics, part of Exact Sciences
Classification: Likely benign for ITGA8-related condition. Last evaluated: 2025-03-13. Review status: criteria provided, single submitter. Criteria: ACMG Guidelines, 2015. Collection method: clinical testing. Allele origin: germline.
Comment: This variant is classified as likely benign based on ACMG/AMP sequence variant interpretation guidelines (Richards et al. 2015 PMID: 25741868, with internal and published modifications).

Ambry Genetics
Classification: Likely benign for Inborn genetic diseases. Last evaluated: 2024-11-11. Review status: criteria provided, single submitter. Criteria: Ambry Variant Classification Scheme 2023. Collection method: clinical testing. Allele origin: germline.

CeGaT Center for Human Genetics Tuebingen
Classification: Likely benign. Last evaluated: 2022-10-01. Review status: criteria provided, single submitter. Criteria: CeGaT Center For Human Genetics Tuebingen Variant Classification Criteria Version 2. Collection method: clinical testing. Allele origin: germline. Affected: yes. Observed: 1 variant allele.
Comment: ITGA8: BP4, BP7

Baylor Genetics
Classification: Uncertain significance for Renal hypodysplasia/aplasia 1. Last evaluated: 2018-07-24. Review status: criteria provided, single submitter. Criteria: ACMG Guidelines, 2015. Collection method: clinical testing. Allele origin: paternal. Affected: yes.
Comment: This variant was determined to be of uncertain significance according to ACMG Guidelines, 2015 [PMID:25741868].